The following is an entry in ClinVar:

ClinVar aggregate classification (germline): Uncertain significance (1 of 4 stars; one submission).

gnomAD v4.1: 1 of 1,613,996 alleles (0.000062%); highest among the groups gnomAD compares: African/African-American, 0.0013%; no homozygotes.

Submission:

Athena Diagnostics
Classification: Uncertain significance. Last evaluated: 2025-10-22. Review status: criteria provided, single submitter. Criteria: Athena Diagnostics Criteria. Collection method: clinical testing. Allele origin: unknown.
Comment: Available data are insufficient to determine the clinical significance of the variant at this time. The frequency of this variant in the general population is uninformative in assessment of its pathogenicity. Polyphen and MutationTaster predict this amino acid change may be benign.

NM_014363.6(SACS):c.5493G>C (p.Lys1831Asn)

Gene: SACS (sacsin molecular chaperone; minus strand). Cytogenetic location: 13q12.12.
Variant type: single nucleotide variant.
Coding change: c.5493G>C on transcript NM_014363.6 (MANE Select); coding-DNA position 5493, G replaced by C.
Protein change: p.Lys1831Asn; replaces lysine 1831 with asparagine.
Molecular consequence: missense variant.
Genome position (GRCh38, 1-based): chr13:23,338,383, C>G on the plus strand (G>C on the coding strand, the complement: SACS is on the minus strand). VCF-style: chr13-23338383-C-G. GRCh37 (hg19) VCF-style: chr13-23912522-C-G.
Other names: c.5052G>C, p.Lys1684Asn (NM_001278055.2); c.5520G>C, p.Lys1840Asn (NM_001437336.1); short protein forms K1684N, K1831N, K1840N.
Identifiers: ClinVar variation 4682293 (VCV004682293.1).